The following is an entry in ClinVar:

ClinVar aggregate classification (germline): Uncertain significance (1 of 4 stars; one submission).

Allele frequency attached by ClinVar (database versions not stated): TOPMed below 0.00001.

Submission:

Labcorp Genetics (formerly Invitae), Labcorp
Classification: Uncertain significance. Last evaluated: 2022-07-19. Review status: criteria provided, single submitter. Criteria: Invitae Variant Classification Sherloc (09022015). Collection method: clinical testing. Allele origin: germline.
Comment: In summary, the available evidence is currently insufficient to determine the role of this variant in disease. Therefore, it has been classified as a Variant of Uncertain Significance. Algorithms developed to predict the effect of missense changes on protein structure and function are either unavailable or do not agree on the potential impact of this missense change (SIFT: "Tolerated"; PolyPhen-2: "Possibly Damaging"; Align-GVGD: "Class C0"). This variant has not been reported in the literature in individuals affected with TARS2-related conditions. This variant is not present in population databases (gnomAD no frequency). This sequence change replaces glycine, which is neutral and non-polar, with arginine, which is basic and polar, at codon 382 of the TARS2 protein (p.Gly382Arg).

NM_025150.5(TARS2):c.1144G>C (p.Gly382Arg)

Gene: TARS2 (threonyl-tRNA synthetase 2, mitochondrial; plus strand). Cytogenetic location: 1q21.2.
Variant type: single nucleotide variant.
Coding change: c.1144G>C on transcript NM_025150.5 (MANE Select); coding-DNA position 1144, G replaced by C.
Protein change: p.Gly382Arg; replaces glycine 382 with arginine.
Molecular consequence: missense variant. On other transcripts: non-coding transcript variant (2).
Genome position (GRCh38, 1-based): chr1:150,497,653, G>C. VCF-style: chr1-150497653-G-C. GRCh37 (hg19) VCF-style: chr1-150470129-G-C.
Other names: c.898G>C, p.Gly300Arg (NM_001271895.2); c.754G>C, p.Gly252Arg (NM_001271896.2); short protein forms G300R, G382R, G252R.
Identifiers: ClinVar variation 2103647 (VCV002103647.4), dbSNP rs1669724443, ClinGen allele CA342327293.